The following is an entry in ClinVar:

ClinVar aggregate classification (germline): Pathogenic (1 of 4 stars; one submission).

Conditions:
Microcephaly, normal intelligence and immunodeficiency (NBS). Also called: Nijmegen breakage syndrome; Microcephaly with normal intelligence immunodeficiency and lymphoreticular malignancies; Nonsyndromal microcephaly autosomal recessive with normal intelligence; Seemanova syndrome 2; BERLIN BREAKAGE SYNDROME; IMMUNODEFICIENCY, MICROCEPHALY, AND CHROMOSOMAL INSTABILITY. Identifiers: Orphanet 647, MedGen C0398791, MONDO:0009623, OMIM 251260.

Submission:

Labcorp Genetics (formerly Invitae), Labcorp
Classification: Pathogenic for Microcephaly, normal intelligence and immunodeficiency. Last evaluated: 2023-03-12. Review status: criteria provided, single submitter. Criteria: Invitae Variant Classification Sherloc (09022015). Collection method: clinical testing. Allele origin: germline.
Comment: For these reasons, this variant has been classified as Pathogenic. This variant has not been reported in the literature in individuals affected with NBN-related conditions. This variant is not present in population databases (gnomAD no frequency). This sequence change creates a premature translational stop signal (p.Thr90Ilefs*2) in the NBN gene. It is expected to result in an absent or disrupted protein product. Loss-of-function variants in NBN are known to be pathogenic (PMID: 9590180, 16415040).

Literature cited by the submitters: PubMed 9590180; PubMed 16415040.

NM_002485.5(NBN):c.269del (p.Thr90fs)

Gene: NBN (nibrin; minus strand). Cytogenetic location: 8q21.3.
Variant type: Deletion.
Coding change: c.269del on transcript NM_002485.5 (MANE Select); coding-DNA position 269, one base deleted (C; older notation c.269delC).
Protein change: p.Thr90fs; shifts the reading frame from threonine 90.
Molecular consequence: frameshift variant.
Genome position (GRCh38, 1-based): chr8:89,981,426, G deleted on the plus strand (C on the coding strand, the reverse complement: NBN is on the minus strand). VCF-style (leftmost placement, unchanged base first): chr8-89981425-AG-A. GRCh37 (hg19) VCF-style: chr8-90993653-AG-A.
Other names: c.23del, p.Thr8fs (NM_001024688.3); short protein forms T8fs, T90fs.
Identifiers: ClinVar variation 2845241 (VCV002845241.3), dbSNP rs2488360542, ClinGen allele CA2739268842.